The following is an entry in ClinVar:

ClinVar aggregate classification (germline): Likely benign. Review status: criteria provided, multiple submitters, no conflicts (2 of 4 stars). 3 submissions from 3 submitters: Likely benign (3). Last evaluated 2025-06-01.

Conditions:
Dilated cardiomyopathy 1G (CMD1G). Identifiers: Orphanet 154, MedGen C1858763, MONDO:0011400, OMIM 604145.
Autosomal recessive limb-girdle muscular dystrophy type 2J (LGMDR10). Also called: MUSCULAR DYSTROPHY, LIMB-GIRDLE, AUTOSOMAL RECESSIVE 10; Limb-girdle muscular dystrophy, type 2J. Identifiers: Orphanet 140922, MedGen C1837342, MONDO:0012127, OMIM 608807.

gnomAD v4.1: 10 of 1,613,892 alleles (0.00062%); highest among the groups gnomAD compares: Middle Eastern, 0.017%; no homozygotes.

Submissions (3):

CeGaT Center for Human Genetics Tuebingen
Classification: Likely benign. Last evaluated: 2025-06-01. Review status: criteria provided, single submitter. Criteria: CeGaT Center For Human Genetics Tuebingen Variant Classification Criteria Version 2. Collection method: clinical testing. Allele origin: germline. Affected: yes. Observed: 1 variant allele.
Comment: TTN: BP4, BP7

Labcorp Genetics (formerly Invitae), Labcorp
Classification: Likely benign for Dilated cardiomyopathy 1G; Autosomal recessive limb-girdle muscular dystrophy type 2J. Last evaluated: 2025-02-10. Review status: criteria provided, single submitter. Criteria: Invitae Variant Classification Sherloc (09022015). Collection method: clinical testing. Allele origin: germline.

GeneDx
Classification: Likely benign. Last evaluated: 2018-01-23. Review status: criteria provided, single submitter. Criteria: GeneDx Variant Classification (06012015). Collection method: clinical testing. Allele origin: germline. Affected: yes.
Comment: This variant is considered likely benign or benign based on one or more of the following criteria: it is a conservative change, it occurs at a poorly conserved position in the protein, it is predicted to be benign by multiple in silico algorithms, and/or has population frequency not consistent with disease.

NM_001267550.2(TTN):c.89721A>C (p.Thr29907=)

Genes: TTN (titin; minus strand), TTN-AS1 (TTN antisense RNA 1; plus strand). Cytogenetic location: 2q31.2.
Variant type: single nucleotide variant.
Coding change: c.89721A>C on transcript NM_001267550.2 (MANE Select); coding-DNA position 89721, A replaced by C.
Protein change: p.Thr29907=; no amino-acid change (threonine 29907 retained).
Molecular consequence: synonymous variant.
Genome position (GRCh38, 1-based): chr2:178,553,179, T>G on the plus strand (A>C on the coding strand, the complement: TTN is on the minus strand). VCF-style: chr2-178553179-T-G. GRCh37 (hg19) VCF-style: chr2-179417906-T-G.
Other names: c.84798A>C, p.Thr28266= (NM_001256850.1); c.62526A>C, p.Thr20842= (NM_003319.4); c.82017A>C, p.Thr27339= (NM_133378.4); c.62901A>C, p.Thr20967= (NM_133432.3); c.63102A>C, p.Thr21034= (NM_133437.4).
Identifiers: ClinVar variation 515180 (VCV000515180.20), dbSNP rs773008865, ClinGen allele CA60978186.